The following is an entry in ClinVar:

NM_001330078.2(NRXN1):c.4275G>T (p.Arg1425=)

Gene: NRXN1 (neurexin 1; minus strand). Cytogenetic location: 2p16.3.
Variant type: single nucleotide variant.
Coding change: c.4275G>T on transcript NM_001330078.2 (MANE Select); coding-DNA position 4275, G replaced by T.
Protein change: p.Arg1425=; no amino-acid change (arginine 1425 retained).
Molecular consequence: synonymous variant.
Genome position (GRCh38, 1-based): chr2:49,922,193, C>A on the plus strand (G>T on the coding strand, the complement: NRXN1 is on the minus strand). VCF-style: chr2-49922193-C-A. GRCh37 (hg19) VCF-style: chr2-50149331-C-A.
Other names: p.R1465R:CGG>CGT; c.4395G>T, p.Arg1465= (NM_001135659.3); c.180G>T, p.Arg60= (NM_001320156.4); c.171G>T, p.Arg57= (NM_001320157.4); c.4251G>T, p.Arg1417= (NM_001330077.2); c.4242G>T, p.Arg1414= (NM_001330082.2); c.4110G>T, p.Arg1370= (NM_001330083.2); c.4209G>T, p.Arg1403= (NM_001330084.2); and 13 more.
Identifiers: ClinVar variation 138545 (VCV000138545.24), dbSNP rs143495349, ClinGen allele CA292591.

ClinVar aggregate classification (germline): Conflicting classifications of pathogenicity. Review status: criteria provided, conflicting classifications (1 of 4 stars). 7 submissions from 7 submitters: Uncertain significance (1); Benign (3); Likely benign (3). Last evaluated 2026-01-21.

Conditions:
History of neurodevelopmental disorder. Identifiers: MedGen C2711754.
Pitt-Hopkins-like syndrome 2 (PTHSL2). Identifiers: Orphanet 221150, Orphanet 600663, MedGen C3280479, MONDO:0013690, OMIM 614325.

Allele frequency attached by ClinVar (database versions not stated): ExAC 0.00033; ESP Exome Variant Server 0.00069; gnomAD 0.00094 and 0.00096; TOPMed 0.00112; 1000 Genomes Project 30x 0.00141; 1000 Genomes Project 0.00180.
gnomAD v4.1: 269 of 1,614,128 alleles (0.017%); highest among the groups gnomAD compares: African/African-American, 0.31%; 1 homozygote.

Submissions (7):

Labcorp Genetics (formerly Invitae), Labcorp
Classification: Benign for Pitt-Hopkins-like syndrome 2. Last evaluated: 2026-01-21. Review status: criteria provided, single submitter. Criteria: Invitae Variant Classification Sherloc (09022015). Collection method: clinical testing. Allele origin: germline.

Blueprint Genetics
Classification: Likely benign. Last evaluated: 2024-06-05. Review status: criteria provided, single submitter. Criteria: ACMG Guidelines, 2015. Collection method: clinical testing. Allele origin: germline.

Athena Diagnostics
Classification: Benign. Last evaluated: 2018-11-29. Review status: criteria provided, single submitter. Criteria: Athena Diagnostics Criteria. Collection method: clinical testing. Allele origin: germline.

Illumina Laboratory Services, Illumina
Classification: Likely benign for Pitt-Hopkins-like syndrome 2. Last evaluated: 2018-01-12. Review status: criteria provided, single submitter. Criteria: ICSL Variant Classification Criteria 13 December 2019. Collection method: clinical testing. Allele origin: germline.
Comment: This variant was observed in the ICSL laboratory as part of a predisposition screen in an ostensibly healthy population. It had not been previously curated by ICSL or reported in the Human Gene Mutation Database (HGMD: prior to June 1st, 2018), and was therefore a candidate for classification through an automated scoring system. Utilizing variant allele frequency, disease prevalence and penetrance estimates, and inheritance mode, an automated score was calculated to assess if this variant is too frequent to cause the disease. Based on the score and internal cut-off values, a variant classified as likely benign is not then subjected to further curation. The score for this variant resulted in a classification of likely benign for this disease.

Ambry Genetics
Classification: Likely benign for History of neurodevelopmental disorder. Last evaluated: 2016-06-06. Review status: criteria provided, single submitter. Criteria: Ambry Autosomal Dominant and X-Linked criteria (10/2015). Collection method: clinical testing. Allele origin: germline. Observed: 1 variant allele.
Comment: Synonymous alterations with insufficient evidence to classify as benign

Genetic Services Laboratory, University of Chicago
Classification: Uncertain significance. Last evaluated: 2016-04-15. Review status: criteria provided, single submitter. Criteria: ACMG Guidelines, 2015. Collection method: clinical testing. Allele origin: germline. Affected: no.

GeneDx
Classification: Benign. Last evaluated: 2013-01-30. Review status: criteria provided, single submitter. Criteria: GeneDx Variant Classification (06012015). Collection method: clinical testing. Allele origin: germline. Affected: yes.
Comment: This variant is considered likely benign or benign based on one or more of the following criteria: it is a conservative change, it occurs at a poorly conserved position in the protein, it is predicted to be benign by multiple in silico algorithms, and/or has population frequency not consistent with disease.